The following is an entry in ClinVar:

ClinVar aggregate classification (germline): Uncertain significance. Review status: criteria provided, multiple submitters, no conflicts (2 of 4 stars). 2 submissions from 2 submitters: Uncertain significance (2). Last evaluated 2022-12-24.

Conditions:
Progressive familial heart block type IB (PFHB1B). Identifiers: Orphanet 871, MedGen C1970298, MONDO:0011474, OMIM 604559.

Submissions (2):

Labcorp Genetics (formerly Invitae), Labcorp
Classification: Uncertain significance for Progressive familial heart block type IB. Last evaluated: 2022-12-24. Review status: criteria provided, single submitter. Criteria: Invitae Variant Classification Sherloc (09022015). Collection method: clinical testing. Allele origin: germline.
Comment: In summary, the available evidence is currently insufficient to determine the role of this variant in disease. Therefore, it has been classified as a Variant of Uncertain Significance. This variant has not been reported in the literature in individuals affected with TRPM4-related conditions. This sequence change creates a premature translational stop signal (p.Lys17Asnfs*6) in the TRPM4 gene. It is expected to result in an absent or disrupted protein product. However, the current clinical and genetic evidence is not sufficient to establish whether loss-of-function variants in TRPM4 cause disease. This variant is not present in population databases (gnomAD no frequency).

Neuberg Centre For Genomic Medicine, NCGM
Classification: Uncertain significance for Progressive familial heart block type IB. Review status: criteria provided, single submitter. Criteria: ACMG Guidelines, 2015. Collection method: clinical testing. Allele origin: germline. Inheritance: Autosomal dominant inheritance. Affected: yes.
Comment: The frameshift c.51_61del (p.Lys17AsnfsTer6) variant in TRPM4 gene has not been reported previously as a pathogenic variant nor as a benign variant, to our knowledge. The p.Lys17AsnfsTer6 variant is absent in gnomAD exomes database. This variant has been submitted to the ClinVar database as Uncertain Significance. This variant causes a frameshift starting with codon Lysine 17, changes this amino acid to Asparagine residue, and creates a premature Stop codon at position 6 of the new reading frame, denoted p.Lys17AsnfsTer6. As loss of function variants are not reported / not common in this gene, hence this variant is classified as Variant of Uncertain Significance (VUS).

NM_017636.4(TRPM4):c.51_61del (p.Lys17fs)

Gene: TRPM4 (transient receptor potential cation channel subfamily M member 4; plus strand). Cytogenetic location: 19q13.33.
Variant type: Deletion.
Coding change: c.51_61del on transcript NM_017636.4 (MANE Select); coding-DNA positions 51 to 61, 11 bases deleted (GAAGACCTGCA).
Protein change: p.Lys17fs; shifts the reading frame from lysine 17.
Molecular consequence: frameshift variant. On other transcripts: 5 prime UTR variant (3).
Genome position (GRCh38, 1-based): chr19:49,158,218-49,158,228, GAAGACCTGCA deleted; deleting any 11 consecutive bases within chr19:49,158,217-49,158,228 gives the same sequence; the c. name uses the placement nearest the transcript's 3' end. VCF-style (leftmost placement, unchanged base first): chr19-49158216-AAGAAGACCTGC-A. GRCh37 (hg19) VCF-style: chr19-49661473-AAGAAGACCTGC-A.
Other names: c.51_61del, p.Lys17fs (NM_001195227.2, NM_001321281.2); c.-1322_-1312del (NM_001321282.2); c.-116_-106del (NM_001321283.2); c.-279_-269del (NM_001321285.2); short protein forms K17fs.
Identifiers: ClinVar variation 2160064 (VCV002160064.4), dbSNP rs2041554244, ClinGen allele CA2340268028.